The following is an entry in ClinVar:

NM_152393.4(KLHL40):c.419G>C (p.Gly140Ala)

Gene: KLHL40 (kelch like family member 40; plus strand). Cytogenetic location: 3p22.1.
Variant type: single nucleotide variant.
Coding change: c.419G>C on transcript NM_152393.4 (MANE Select); coding-DNA position 419, G replaced by C.
Protein change: p.Gly140Ala; replaces glycine 140 with alanine.
Molecular consequence: missense variant.
Genome position (GRCh38, 1-based): chr3:42,686,037, G>C. VCF-style: chr3-42686037-G-C. GRCh37 (hg19) VCF-style: chr3-42727529-G-C.
Other names: short protein forms G140A.
Identifiers: ClinVar variation 2052436 (VCV002052436.4), dbSNP rs1403829228, ClinGen allele CA352289358.

ClinVar aggregate classification (germline): Uncertain significance (1 of 4 stars; one submission).

Conditions:
Nemaline myopathy 8 (NEM8). Also called: Nemaline myopathy 8, autosomal recessive. Identifiers: Orphanet 171430, MedGen C3809209, MONDO:0014138, OMIM 615348.

Allele frequency attached by ClinVar (database versions not stated): TOPMed below 0.00001; gnomAD 0.00001.
gnomAD v4.1: 1 of 1,608,268 alleles (0.000062%); highest among the groups gnomAD compares: African/African-American, 0.0013%; no homozygotes.

Submission:

Labcorp Genetics (formerly Invitae), Labcorp
Classification: Uncertain significance for Nemaline myopathy 8. Last evaluated: 2022-03-25. Review status: criteria provided, single submitter. Criteria: Invitae Variant Classification Sherloc (09022015). Collection method: clinical testing. Allele origin: germline.
Comment: This sequence change replaces glycine, which is neutral and non-polar, with alanine, which is neutral and non-polar, at codon 140 of the KLHL40 protein (p.Gly140Ala). In summary, the available evidence is currently insufficient to determine the role of this variant in disease. Therefore, it has been classified as a Variant of Uncertain Significance. Advanced modeling of protein sequence and biophysical properties (such as structural, functional, and spatial information, amino acid conservation, physicochemical variation, residue mobility, and thermodynamic stability) performed at Invitae indicates that this missense variant is expected to disrupt KLHL40 protein function. This variant has not been reported in the literature in individuals affected with KLHL40-related conditions. This variant is not present in population databases (gnomAD no frequency).